The following is an entry in ClinVar:

ClinVar aggregate classification (germline): Uncertain significance (1 of 4 stars; one submission).

Submission:

Labcorp Genetics (formerly Invitae), Labcorp
Classification: Uncertain significance. Last evaluated: 2024-01-22. Review status: criteria provided, single submitter. Criteria: Invitae Variant Classification Sherloc (09022015). Collection method: clinical testing. Allele origin: germline.
Comment: This variant, c.285_311dup, results in the insertion of 9 amino acid(s) of the SLC12A2 protein (p.Ala99_Ala107dup), but otherwise preserves the integrity of the reading frame. This variant is not present in population databases (gnomAD no frequency). This variant has not been reported in the literature in individuals affected with SLC12A2-related conditions. In summary, the available evidence is currently insufficient to determine the role of this variant in disease. Therefore, it has been classified as a Variant of Uncertain Significance.

NM_001046.3(SLC12A2):c.285_311dup (p.Ala107_Gly108insAlaAlaAlaAlaAlaAlaAlaAlaAla)

Genes: SLC12A2 (solute carrier family 12 member 2; plus strand), LOC129994526 (ATAC-STARR-seq lymphoblastoid silent region 16295; plus strand). Cytogenetic location: 5q23.3.
Variant type: Duplication.
Coding change: c.285_311dup on transcript NM_001046.3 (MANE Select); coding-DNA positions 285 to 311, 27 bases duplicated (TGCGGCGGCGGCGGCGGCGGCGGCAGC).
Protein change: p.Ala107_Gly108insAlaAlaAlaAlaAlaAlaAlaAlaAla.
Molecular consequence: inframe insertion. On other transcripts: non-coding transcript variant (1).
Genome position (GRCh38, 1-based): chr5:128,084,239-128,084,265, TGCGGCGGCGGCGGCGGCGGCGGCAGC duplicated; duplicating any 27 consecutive bases within chr5:128,084,237-128,084,265 gives the same sequence; the c. name uses the placement nearest the transcript's 3' end. VCF-style (leftmost placement, unchanged base first): chr5-128084236-T-TGCTGCGGCGGCGGCGGCGGCGGCGGCA. GRCh37 (hg19) VCF-style: chr5-127419928-T-TGCTGCGGCGGCGGCGGCGGCGGCGGCA.
Other names: c.285_311dup, p.Ala107_Gly108insAlaAlaAlaAlaAlaAlaAlaAlaAla (NM_001256461.2).
Identifiers: ClinVar variation 2970878 (VCV002970878.3), dbSNP rs1759957153, ClinGen allele CA1081346835.